The following is an entry in ClinVar:

ClinVar aggregate classification (germline): Uncertain significance. Review status: criteria provided, multiple submitters, no conflicts (2 of 4 stars). 2 submissions from 2 submitters: Uncertain significance (2). Last evaluated 2024-03-26.

Conditions:
Cardiovascular phenotype. Identifiers: MedGen CN230736.

Submissions (2):

GeneDx
Classification: Uncertain significance. Last evaluated: 2024-03-26. Review status: criteria provided, single submitter. Criteria: GeneDx Variant Classification Process June 2021. Collection method: clinical testing. Allele origin: germline. Affected: yes.
Comment: Has not been previously published as pathogenic or benign to our knowledge; Not observed at significant frequency in large population cohorts (gnomAD); In silico analysis supports that this missense variant has a deleterious effect on protein structure/function

Ambry Genetics
Classification: Uncertain significance for Cardiovascular phenotype. Last evaluated: 2019-02-21. Review status: criteria provided, single submitter. Criteria: Ambry Autosomal Dominant and X-Linked criteria (3/2017). Collection method: clinical testing. Allele origin: germline. Observed: 1 variant allele.
Comment: The p.G2866V variant (also known as c.8597G>T), located in coding exon 65 of the FBN2 gene, results from a G to T substitution at nucleotide position 8597. The glycine at codon 2866 is replaced by valine, an amino acid with dissimilar properties. This amino acid position is highly conserved in available vertebrate species. This variant was not reported in the ExAC database, with coverage at this position. In addition, this alteration is predicted to be tolerated by in silico analysis. Since supporting evidence is limited at this time, the clinical significance of this alteration remains unclear.

NM_001999.4(FBN2):c.8597G>T (p.Gly2866Val)

Gene: FBN2 (fibrillin 2; minus strand). Cytogenetic location: 5q23.3.
Variant type: single nucleotide variant.
Coding change: c.8597G>T on transcript NM_001999.4 (MANE Select); coding-DNA position 8597, G replaced by T.
Protein change: p.Gly2866Val; replaces glycine 2866 with valine.
Molecular consequence: missense variant.
Genome position (GRCh38, 1-based): chr5:128,259,597, C>A on the plus strand (G>T on the coding strand, the complement: FBN2 is on the minus strand). VCF-style: chr5-128259597-C-A. GRCh37 (hg19) VCF-style: chr5-127595289-C-A.
Other names: short protein forms G2866V.
Identifiers: ClinVar variation 263471 (VCV000263471.5), dbSNP rs886038818, ClinGen allele CA10587590.